The following is an entry in ClinVar:

NM_020806.5(GPHN):c.1053G>A (p.Met351Ile)

Gene: GPHN (gephyrin; plus strand). Cytogenetic location: 14q23.3.
Variant type: single nucleotide variant.
Coding change: c.1053G>A on transcript NM_020806.5 (MANE Select); coding-DNA position 1053, G replaced by A.
Protein change: p.Met351Ile; replaces methionine 351 with isoleucine.
Molecular consequence: missense variant.
Genome position (GRCh38, 1-based): chr14:67,058,695, G>A. VCF-style: chr14-67058695-G-A. GRCh37 (hg19) VCF-style: chr14-67525412-G-A.
Other names: c.954G>A, p.Met318Ile (NM_001024218.2); c.1113G>A, p.Met371Ile (NM_001377514.1); c.1083G>A, p.Met361Ile (NM_001377515.1); c.1074G>A, p.Met358Ile (NM_001377516.1); c.1026G>A, p.Met342Ile (NM_001377517.1); c.1011G>A, p.Met337Ile (NM_001377518.1); c.993G>A, p.Met331Ile (NM_001377519.1); short protein forms M318I, M337I, M342I, M358I, M331I, M351I, M361I, M371I.
Identifiers: ClinVar variation 2860320 (VCV002860320.3), dbSNP rs2542613043, ClinGen allele CA390258194.

ClinVar aggregate classification (germline): Uncertain significance (1 of 4 stars; one submission).

Conditions:
Sulfite oxidase deficiency due to molybdenum cofactor deficiency type C. Also called: Molybdenum cofactor deficiency, complementation group C; Molybdenum cofactor deficiency C. Identifiers: Orphanet 308400, Orphanet 833, MedGen C1854990, MONDO:0014212, OMIM 615501.

Submission:

Labcorp Genetics (formerly Invitae), Labcorp
Classification: Uncertain significance for Sulfite oxidase deficiency due to molybdenum cofactor deficiency type C. Last evaluated: 2023-06-05. Review status: criteria provided, single submitter. Criteria: Invitae Variant Classification Sherloc (09022015). Collection method: clinical testing. Allele origin: germline.
Comment: This variant has not been reported in the literature in individuals affected with GPHN-related conditions. This variant is not present in population databases (gnomAD no frequency). This sequence change replaces methionine, which is neutral and non-polar, with isoleucine, which is neutral and non-polar, at codon 351 of the GPHN protein (p.Met351Ile). Advanced modeling of protein sequence and biophysical properties (such as structural, functional, and spatial information, amino acid conservation, physicochemical variation, residue mobility, and thermodynamic stability) performed at Invitae indicates that this missense variant is not expected to disrupt GPHN protein function. In summary, the available evidence is currently insufficient to determine the role of this variant in disease. Therefore, it has been classified as a Variant of Uncertain Significance.